The following is an entry in ClinVar:

ClinVar aggregate classification (germline): Uncertain significance. Review status: criteria provided, multiple submitters, no conflicts (2 of 4 stars). 2 submissions from 2 submitters: Uncertain significance (2). Last evaluated 2025-07-09.

Conditions:
Arrhythmogenic right ventricular dysplasia 11. Also called: Arrhythmogenic Right Ventricular Dysplasia/Cardiomyopathy11; ARRHYTHMOGENIC RIGHT VENTRICULAR DYSPLASIA, FAMILIAL, 11; Arrhythmogenic right ventricular dysplasia 11 with mild palmoplantar keratoderma and woolly hair. Identifiers: MedGen C1864850, MONDO:0012506, OMIM 610476.
Cardiomyopathy (CMYO). Also called: Cardiomyopathies. Identifiers: Orphanet 167848, MedGen C0878544, MONDO:0004994, HP:0001638. Inheritance: Various modes of inheritance.

gnomAD v4.1: 2 of 1,613,276 alleles (0.00012%); highest among the groups gnomAD compares: Admixed American, 0.0033%; no homozygotes.

Submissions (2):

Color Diagnostics, LLC DBA Color Health
Classification: Uncertain significance for Cardiomyopathy. Last evaluated: 2025-07-09. Review status: criteria provided, single submitter. Criteria: ACMG Guidelines, 2015. Collection method: clinical testing. Allele origin: germline.
Comment: This missense variant replaces phenylalanine with valine at codon 250 of the DSC2 protein. Computational prediction suggests that this variant may not impact protein structure and function. To our knowledge, functional studies have not been reported for this variant. This variant has been reported in an individual suspected to be affected with cardiomyopathy or arrhythmia (PMID: 35947370). This variant has not been identified in the general population by the Genome Aggregation Database (gnomAD). The available evidence is insufficient to determine the role of this variant in disease conclusively. Therefore, this variant is classified as a Variant of Uncertain Significance.

Labcorp Genetics (formerly Invitae), Labcorp
Classification: Uncertain significance for Arrhythmogenic right ventricular dysplasia 11. Last evaluated: 2023-08-24. Review status: criteria provided, single submitter. Criteria: Invitae Variant Classification Sherloc (09022015). Collection method: clinical testing. Allele origin: germline.
Comment: In summary, the available evidence is currently insufficient to determine the role of this variant in disease. Therefore, it has been classified as a Variant of Uncertain Significance. Advanced modeling of protein sequence and biophysical properties (such as structural, functional, and spatial information, amino acid conservation, physicochemical variation, residue mobility, and thermodynamic stability) has been performed at Invitae for this missense variant, however the output from this modeling did not meet the statistical confidence thresholds required to predict the impact of this variant on DSC2 protein function. ClinVar contains an entry for this variant (Variation ID: 468385). This variant has not been reported in the literature in individuals affected with DSC2-related conditions. This variant is not present in population databases (gnomAD no frequency). This sequence change replaces phenylalanine, which is neutral and non-polar, with valine, which is neutral and non-polar, at codon 250 of the DSC2 protein (p.Phe250Val).

Literature cited by the submitters: PubMed 35947370 (cited by Color Diagnostics, LLC DBA Color Health).

NM_024422.6(DSC2):c.748T>G (p.Phe250Val)

Gene: DSC2 (desmocollin 2; minus strand). Cytogenetic location: 18q12.1.
Variant type: single nucleotide variant.
Coding change: c.748T>G on transcript NM_024422.6 (MANE Select); coding-DNA position 748, T replaced by G.
Protein change: p.Phe250Val; replaces phenylalanine 250 with valine.
Molecular consequence: missense variant.
Genome position (GRCh38, 1-based): chr18:31,087,696, A>C on the plus strand (T>G on the coding strand, the complement: DSC2 is on the minus strand). VCF-style: chr18-31087696-A-C. GRCh37 (hg19) VCF-style: chr18-28667659-A-C.
Other names: c.748T>G, p.Phe250Val (NM_004949.5); short protein forms F250V.
Identifiers: ClinVar variation 468385 (VCV000468385.11), dbSNP rs111556656, ClinGen allele CA402112667.